The following is an entry in ClinVar:

ClinVar aggregate classification (germline): Likely benign. Review status: criteria provided, multiple submitters, no conflicts (2 of 4 stars). 4 submissions from 4 submitters: Likely benign (3). 1 of the submissions does not count toward it. Last evaluated 2026-09-01.

Conditions:
GNAS-related disorder. Identifiers: MedGen CN380105.

Allele frequency attached by ClinVar (database versions not stated): ESP Exome Variant Server 0.00008.
gnomAD v4.1: 40 of 1,575,092 alleles (0.0025%); highest among the groups gnomAD compares: East Asian, 0.0045%; no homozygotes.

Submissions (4):

CeGaT Center for Human Genetics Tuebingen
Classification: Likely benign. Last evaluated: 2026-09-01. Review status: criteria provided, single submitter. Criteria: CeGaT Center For Human Genetics Tuebingen Variant Classification Criteria Version 2. Collection method: clinical testing. Allele origin: germline. Affected: yes. Observed: 1 variant allele.
Comment: GNAS: BP4

Labcorp Genetics (formerly Invitae), Labcorp
Classification: Likely benign. Last evaluated: 2025-11-17. Review status: criteria provided, single submitter. Criteria: Invitae Variant Classification Sherloc (09022015). Collection method: clinical testing. Allele origin: germline.

Blueprint Genetics
Classification: Likely benign. Last evaluated: 2019-10-16. Review status: criteria provided, single submitter. Criteria: ACMG Guidelines, 2015. Collection method: clinical testing. Allele origin: germline.

PreventionGenetics, part of Exact Sciences
Classification: Likely benign for GNAS-related condition. Last evaluated: 2021-02-02. Review status: no assertion criteria provided. Collection method: clinical testing. Allele origin: germline. Not counted in ClinVar's aggregate classification.
Comment: This variant is classified as likely benign based on ACMG/AMP sequence variant interpretation guidelines (Richards et al. 2015 PMID: 25741868, with internal and published modifications).

NM_000516.7(GNAS):c.201G>A (p.Gly67=)

Gene: GNAS (GNAS complex locus; plus strand). Cytogenetic location: 20q13.32.
Variant type: single nucleotide variant.
Coding change: c.201G>A on transcript NM_000516.7 (MANE Select); coding-DNA position 201, G replaced by A.
Protein change: p.Gly67=; no amino-acid change (glycine 67 retained).
Molecular consequence: synonymous variant. On other transcripts: 3 prime UTR variant (3), non-coding transcript variant (2).
Genome position (GRCh38, 1-based): chr20:58,895,673, G>A. VCF-style: chr20-58895673-G-A. GRCh37 (hg19) VCF-style: chr20-57470728-G-A.
Other names: c.201G>A, p.Gly67= (NM_001077488.5, NM_001077489.4, NM_001309842.2 and 1 more transcripts); c.*62G>A (NM_001077490.3); c.24G>A, p.Gly8= (NM_001309840.2, NM_001309861.2); c.*220G>A (NM_001309883.1); c.*104G>A (NM_016592.5); c.2130G>A, p.Gly710= (NM_080425.4); c.201G>A (NM_000516.5).
Identifiers: ClinVar variation 1566743 (VCV001566743.12), dbSNP rs375763287, ClinGen allele CA9926918.
Genomic context (GRCh38, chr20:58,895,673, plus strand): 5'-TGCTGGAGAATCTGGTAAAAGCACCATTGTGAAGCAGATGAGGATCCTGCATGTTAATGG[G>A]TTTAATGGAGAGTAAGTGTCAAATCTGTGCAGGGGGGCACCAAGTAAGAGGAACAGACTT-3'
Protein context (NP_000507.1, residues 57-77): VKQMRILHVN[Gly67=]FNGEGGEEDP